The following is an entry in ClinVar:

NM_203446.3(SYNJ1):c.3497C>G (p.Thr1166Arg)

Gene: SYNJ1 (synaptojanin 1; minus strand). Cytogenetic location: 21q22.11.
Variant type: single nucleotide variant.
Coding change: c.3497C>G on transcript NM_203446.3 (MANE Select); coding-DNA position 3497, C replaced by G.
Protein change: p.Thr1166Arg; replaces threonine 1166 with arginine.
Molecular consequence: missense variant. On other transcripts: intron variant (1).
Genome position (GRCh38, 1-based): chr21:32,642,115, G>C on the plus strand (C>G on the coding strand, the complement: SYNJ1 is on the minus strand). VCF-style: chr21-32642115-G-C. GRCh37 (hg19) VCF-style: chr21-34014425-G-C.
Other names: c.3449C>G, p.Thr1150Arg (NM_001160302.2); c.3614C>G, p.Thr1205Arg (NM_003895.4); c.3377-149C>G (NM_001160306.2); short protein forms T1166R, T1205R, T1150R.
Identifiers: ClinVar variation 2059107 (VCV002059107.4), dbSNP rs2517395051, ClinGen allele CA410066313.
Genomic context (GRCh38, chr21:32,642,115, plus strand): 5'-CCAGTTTTAAGGGTGAATAGCTACATTCAAGTGTTTTTACCTATATTATCTTTCCTTGTT[G>C]TTCCAGGGCTTTTGGGTGCTTTGAAGCAAGAAGGGAAAAAAAAATTAGTTGTAAGTTAAC-3'
Protein context (NP_982271.3, residues 1156-1176): REMEAPKSPG[Thr1166Arg]TRKDNIGRSQ

ClinVar aggregate classification (germline): Uncertain significance (1 of 4 stars; one submission).

Conditions:
Developmental and epileptic encephalopathy, 53. Also called: Epileptic encephalopathy, early infantile, 53. Identifiers: MedGen C4479313, MONDO:0033362, OMIM 617389.
Early-onset Parkinson disease 20. Also called: PARKINSON DISEASE 20, AUTOSOMAL RECESSIVE EARLY-ONSET. Identifiers: Orphanet 391411, MedGen C3809824, MONDO:0014233, OMIM 615530.

Submission:

Labcorp Genetics (formerly Invitae), Labcorp
Classification: Uncertain significance for Developmental and epileptic encephalopathy, 53; Early-onset Parkinson disease 20. Last evaluated: 2021-12-24. Review status: criteria provided, single submitter. Criteria: Invitae Variant Classification Sherloc (09022015). Collection method: clinical testing. Allele origin: germline.
Comment: This sequence change replaces threonine, which is neutral and polar, with arginine, which is basic and polar, at codon 1205 of the SYNJ1 protein (p.Thr1205Arg). This variant is not present in population databases (gnomAD no frequency). This variant has not been reported in the literature in individuals affected with SYNJ1-related conditions. Algorithms developed to predict the effect of missense changes on protein structure and function are either unavailable or do not agree on the potential impact of this missense change (SIFT: "Deleterious"; PolyPhen-2: "Possibly Damaging"; Align-GVGD: "Class C0"). In summary, the available evidence is currently insufficient to determine the role of this variant in disease. Therefore, it has been classified as a Variant of Uncertain Significance.